The following is an entry in ClinVar:

NM_001184.4(ATR):c.2789A>G (p.Lys930Arg)

Gene: ATR (ATR checkpoint kinase; minus strand). Cytogenetic location: 3q23.
Variant type: single nucleotide variant.
Coding change: c.2789A>G on transcript NM_001184.4 (MANE Select); coding-DNA position 2789, A replaced by G.
Protein change: p.Lys930Arg; replaces lysine 930 with arginine.
Molecular consequence: missense variant.
Genome position (GRCh38, 1-based): chr3:142,553,243, T>C on the plus strand (A>G on the coding strand, the complement: ATR is on the minus strand). VCF-style: chr3-142553243-T-C. GRCh37 (hg19) VCF-style: chr3-142272085-T-C.
Other names: c.2597A>G, p.Lys866Arg (NM_001354579.2); short protein forms K866R, K930R.
Identifiers: ClinVar variation 2567795 (VCV002567795.2), dbSNP rs2034541983, ClinGen allele CA354814202.

ClinVar aggregate classification (germline): Uncertain significance (1 of 4 stars; one submission).

Conditions:
Inborn genetic diseases. Identifiers: MedGen C0950123, MeSH D030342.

Allele frequency attached by ClinVar (database versions not stated): gnomAD 0.00001.
gnomAD v4.1: 1 of 1,614,082 alleles (0.000062%); highest among the groups gnomAD compares: South Asian, 0.0011%; no homozygotes.

Submission:

Ambry Genetics
Classification: Uncertain significance for Inborn genetic diseases. Last evaluated: 2023-04-03. Review status: criteria provided, single submitter. Criteria: Ambry Variant Classification Scheme 2023. Collection method: clinical testing. Allele origin: germline.
Comment: The p.K930R variant (also known as c.2789A>G), located in coding exon 13 of the ATR gene, results from an A to G substitution at nucleotide position 2789. The lysine at codon 930 is replaced by arginine, an amino acid with highly similar properties. This amino acid position is conserved. In addition, this alteration is predicted to be tolerated by in silico analysis. Since supporting evidence is limited at this time, the clinical significance of this alteration remains unclear.